The following is an entry in ClinVar:

ClinVar aggregate classification (germline): Uncertain significance (1 of 4 stars; one submission).

Allele frequency attached by ClinVar (database versions not stated): gnomAD exomes below 0.00001 and 0.00001; ExAC 0.00001; gnomAD 0.00001; TOPMed 0.00002.
gnomAD v4.1: 8 of 1,602,628 alleles (0.0005%); highest among the groups gnomAD compares: African/African-American, 0.0013%; no homozygotes.

Submission:

Labcorp Genetics (formerly Invitae), Labcorp
Classification: Uncertain significance. Last evaluated: 2021-08-19. Review status: criteria provided, single submitter. Criteria: Invitae Variant Classification Sherloc (09022015). Collection method: clinical testing. Allele origin: germline.
Comment: This sequence change replaces valine with methionine at codon 591 of the IFT74 protein (p.Val591Met). The valine residue is moderately conserved and there is a small physicochemical difference between valine and methionine. This variant is present in population databases (rs762276916, ExAC 0.001%). This variant has not been reported in the literature in individuals affected with IFT74-related conditions. Algorithms developed to predict the effect of missense changes on protein structure and function output the following: SIFT: "Tolerated"; PolyPhen-2: "Benign"; Align-GVGD: "Class C0". The methionine amino acid residue is found in multiple mammalian species, which suggests that this missense change does not adversely affect protein function. In summary, the available evidence is currently insufficient to determine the role of this variant in disease. Therefore, it has been classified as a Variant of Uncertain Significance.

NM_025103.4(IFT74):c.1771G>A (p.Val591Met)

Gene: IFT74 (intraflagellar transport 74; plus strand). Cytogenetic location: 9p21.2.
Variant type: single nucleotide variant.
Coding change: c.1771G>A on transcript NM_025103.4 (MANE Select); coding-DNA position 1771, G replaced by A.
Protein change: p.Val591Met; replaces valine 591 with methionine.
Molecular consequence: missense variant. On other transcripts: 3 prime UTR variant (1).
Genome position (GRCh38, 1-based): chr9:27,062,704, G>A. VCF-style: chr9-27062704-G-A. GRCh37 (hg19) VCF-style: chr9-27062702-G-A.
Other names: c.1771G>A, p.Val591Met (NM_001099222.3, NM_001099223.3); c.*707G>A (NM_001349928.2); short protein forms V591M.
Identifiers: ClinVar variation 1414050 (VCV001414050.4), dbSNP rs762276916, ClinGen allele CA5015779.